The following is an entry in ClinVar:

ClinVar aggregate classification (germline): Uncertain significance (1 of 4 stars; one submission).

Submission:

Labcorp Genetics (formerly Invitae), Labcorp
Classification: Uncertain significance. Last evaluated: 2023-08-14. Review status: criteria provided, single submitter. Criteria: Invitae Variant Classification Sherloc (09022015). Collection method: clinical testing. Allele origin: germline.
Comment: This variant has not been reported in the literature in individuals affected with SIAE-related conditions. In summary, the available evidence is currently insufficient to determine the role of this variant in disease. Therefore, it has been classified as a Variant of Uncertain Significance. An algorithm developed to predict the effect of missense changes on protein structure and function (PolyPhen-2) suggests that this variant is likely to be disruptive. This variant is not present in population databases (gnomAD no frequency). This sequence change replaces tryptophan, which is neutral and slightly polar, with cysteine, which is neutral and slightly polar, at codon 48 of the SIAE protein (p.Trp48Cys).

NM_170601.5(SIAE):c.144G>T (p.Trp48Cys)

Gene: SIAE (sialic acid acetylesterase; minus strand). Cytogenetic location: 11q24.2.
Variant type: single nucleotide variant.
Coding change: c.144G>T on transcript NM_170601.5 (MANE Select); coding-DNA position 144, G replaced by T.
Protein change: p.Trp48Cys; replaces tryptophan 48 with cysteine.
Molecular consequence: missense variant.
Genome position (GRCh38, 1-based): chr11:124,669,445, C>A on the plus strand (G>T on the coding strand, the complement: SIAE is on the minus strand). VCF-style: chr11-124669445-C-A. GRCh37 (hg19) VCF-style: chr11-124539341-C-A.
Other names: c.39G>T, p.Trp13Cys (NM_001199922.2); short protein forms W13C, W48C.
Identifiers: ClinVar variation 2750239 (VCV002750239.3), dbSNP rs2496952769, ClinGen allele CA383122185.